The following is an entry in ClinVar:

NM_001271938.2(MEGF8):c.2357C>G (p.Pro786Arg)

Gene: MEGF8 (multiple EGF like domains 8; plus strand). Cytogenetic location: 19q13.2.
Variant type: single nucleotide variant.
Coding change: c.2357C>G on transcript NM_001271938.2 (MANE Select); coding-DNA position 2357, C replaced by G.
Protein change: p.Pro786Arg; replaces proline 786 with arginine.
Molecular consequence: missense variant.
Genome position (GRCh38, 1-based): chr19:42,349,557, C>G. VCF-style: chr19-42349557-C-G. GRCh37 (hg19) VCF-style: chr19-42853709-C-G.
Other names: c.2156C>G, p.Pro719Arg (NM_001410.3); short protein forms P719R, P786R.
Identifiers: ClinVar variation 1335841 (VCV001335841.6), dbSNP rs114954140, ClinGen allele CA9474713.
Genomic context (GRCh38, chr19:42,349,557, plus strand): 5'-AGGAGGAGGTGGGGCGCTGGGTGGCTCATCAGGAGAAGGAGACGCGGCGGCTGCAGCGCC[C>G]TGGGTCTGCTCGCCTCTTCCCTCTGCCTGGGCGGGACCACAAGTATGCAGTAGAGATCCA-3'
Protein context (NP_001258867.1, residues 776-796): QEKETRRLQR[Pro786Arg]GSARLFPLPG

ClinVar aggregate classification (germline): Conflicting classifications of pathogenicity. Review status: criteria provided, conflicting classifications (1 of 4 stars). 4 submissions from 4 submitters: Uncertain significance (2); Likely benign (1). 1 of the submissions does not count toward it. Last evaluated 2025-05-13.

Conditions:
MEGF8-related disorder. Also called: MEGF8-related condition.
MEGF8-related Carpenter syndrome. Also called: Carpenter syndrome 2. Identifiers: Orphanet 65759, MedGen C3554247, MONDO:0013998, OMIM 614976.
Inborn genetic diseases. Identifiers: MedGen C0950123, MeSH D030342.

Allele frequency attached by ClinVar (database versions not stated): TOPMed 0.00076; 1000 Genomes Project 0.00080; gnomAD exomes 0.00015 and 0.00005; 1000 Genomes Project 30x 0.00062; gnomAD 0.00062 and 0.00068; ExAC 0.00019; ESP Exome Variant Server 0.00054.
gnomAD v4.1: 180 of 1,612,102 alleles (0.011%); highest among the groups gnomAD compares: African/African-American, 0.22%; no homozygotes.

Submissions (4):

Ambry Genetics
Classification: Uncertain significance for Inborn genetic diseases. Last evaluated: 2025-05-13. Review status: criteria provided, single submitter. Criteria: Ambry Variant Classification Scheme 2023. Collection method: clinical testing. Allele origin: germline.

Labcorp Genetics (formerly Invitae), Labcorp
Classification: Likely benign for MEGF8-related Carpenter syndrome. Last evaluated: 2025-02-06. Review status: criteria provided, single submitter. Criteria: Invitae Variant Classification Sherloc (09022015). Collection method: clinical testing. Allele origin: germline.

GeneDx
Classification: Uncertain significance. Last evaluated: 2022-01-19. Review status: criteria provided, single submitter. Criteria: GeneDx Variant Classification Process June 2021. Collection method: clinical testing. Allele origin: germline. Affected: yes.
Comment: In silico analysis supports that this missense variant has a deleterious effect on protein structure/function; Has not been previously published as pathogenic or benign to our knowledge

PreventionGenetics, part of Exact Sciences
Classification: Likely benign for MEGF8-related condition. Last evaluated: 2023-06-06. Review status: no assertion criteria provided. Collection method: clinical testing. Allele origin: germline. Not counted in ClinVar's aggregate classification.
Comment: This variant is classified as likely benign based on ACMG/AMP sequence variant interpretation guidelines (Richards et al. 2015 PMID: 25741868, with internal and published modifications).